The following is an entry in ClinVar:

ClinVar aggregate classification (germline): Benign/Likely benign. Review status: criteria provided, multiple submitters, no conflicts (2 of 4 stars). 2 submissions from 2 submitters: Benign (1); Likely benign (1). Last evaluated 2024-10-27.

Conditions:
Wolfram syndrome 1 (WFS1). Identifiers: Orphanet 3463, MedGen C4551693, MONDO:0009101, OMIM 222300.

Allele frequency attached by ClinVar (database versions not stated): ExAC 0.00001; gnomAD 0.00001 and 0.00002; TOPMed 0.00005.
gnomAD v4.1: 8 of 1,613,940 alleles (0.0005%); highest among the groups gnomAD compares: African/African-American, 0.008%; no homozygotes.

Submissions (2):

Labcorp Genetics (formerly Invitae), Labcorp
Classification: Likely benign. Last evaluated: 2024-10-27. Review status: criteria provided, single submitter. Criteria: Invitae Variant Classification Sherloc (09022015). Collection method: clinical testing. Allele origin: germline.

Clinical Genomics, Uppaluri K&H Personalized Medicine Clinic
Classification: Benign for Wolfram syndrome 1. Review status: criteria provided, single submitter. Criteria: K & H Uppaluri Personalized Medicine Clinic Variant Classification & Assertion Criteria_Updated V.1. Collection method: research. Allele origin: unknown. Inheritance: Autosomal recessive inheritance.
Comment: Potent mutations in WFS1 gene are associated with Wolfram's syndrome, an autosomal recessive condition, which cause diabetes mellitus, diabetes insipidus, deafness and optic atrophy. However no sufficient evidence is found to ascertain the role of this particular variant rs779337227 in Wolfram's syndrome yet.

Literature cited by the submitters: PubMed 20738327 (cited by Clinical Genomics, Uppaluri K&H Personalized Medicine Clinic); PubMed 33879153 (cited by Clinical Genomics, Uppaluri K&H Personalized Medicine Clinic); PubMed 12955714 (cited by Clinical Genomics, Uppaluri K&H Personalized Medicine Clinic); PubMed 18060660 (cited by Clinical Genomics, Uppaluri K&H Personalized Medicine Clinic); PubMed 20301750 (cited by Clinical Genomics, Uppaluri K&H Personalized Medicine Clinic); PubMed 17603484 (cited by Clinical Genomics, Uppaluri K&H Personalized Medicine Clinic).

NM_006005.3(WFS1):c.1863G>C (p.Val621=)

Gene: WFS1 (wolframin ER transmembrane glycoprotein; plus strand). Cytogenetic location: 4p16.1.
Variant type: single nucleotide variant.
Coding change: c.1863G>C on transcript NM_006005.3 (MANE Select); coding-DNA position 1863, G replaced by C.
Protein change: p.Val621=; no amino-acid change (valine 621 retained).
Molecular consequence: synonymous variant.
Genome position (GRCh38, 1-based): chr4:6,301,658, G>C. VCF-style: chr4-6301658-G-C. GRCh37 (hg19) VCF-style: chr4-6303385-G-C.
Other names: c.1863G>C, p.Val621= (NM_001145853.1).
Identifiers: ClinVar variation 708781 (VCV000708781.9), dbSNP rs779337227, ClinGen allele CA2839525.
Genomic context (GRCh38, chr4:6,301,658, plus strand): 5'-GGCGGTCTGTAGTGTGCCCCTGCTGTTGCGCTGGTGGACCAAGGCCAGCTTCTCTGTGGT[G>C]GGGATGGTGAAGTCCCTGACGCGGAGCTCCATGGTCAAGCTCATCCTGGTGTGGCTCACG-3'
Protein context (NP_005996.2, residues 611-631): RWWTKASFSV[Val621=]GMVKSLTRSS